The following is an entry in ClinVar:

ClinVar aggregate classification (germline): Likely benign. Review status: criteria provided, multiple submitters, no conflicts (2 of 4 stars). 3 submissions from 3 submitters: Likely benign (2). 1 of the submissions does not count toward it. Last evaluated 2018-04-23.

Conditions:
KIAA0232-related disorder. Also called: KIAA0232-related condition.

Allele frequency attached by ClinVar (database versions not stated): ESP Exome Variant Server 0.00092; gnomAD 0.00099 and 0.00106; TOPMed 0.00124; 1000 Genomes Project 0.00180; gnomAD exomes 0.00029; ExAC 0.00037; 1000 Genomes Project 30x 0.00187.
gnomAD v4.1: 285 of 1,614,046 alleles (0.018%); highest among the groups gnomAD compares: African/African-American, 0.33%; no homozygotes.

Submissions (3):

Labcorp Genetics (formerly Invitae), Labcorp
Classification: Likely benign. Last evaluated: 2018-04-23. Review status: criteria provided, single submitter. Criteria: Invitae Variant Classification Sherloc (09022015). Collection method: clinical testing. Allele origin: germline.

Breakthrough Genomics
Classification: Likely benign. Review status: criteria provided, single submitter. Criteria: ACMG Guidelines, 2015. Collection method: not provided. Allele origin: germline. Inheritance: Unknown mechanism. Affected: yes.

PreventionGenetics, part of Exact Sciences
Classification: Likely benign for KIAA0232-related condition. Last evaluated: 2022-07-06. Review status: no assertion criteria provided. Collection method: clinical testing. Allele origin: germline. Not counted in ClinVar's aggregate classification.
Comment: This variant is classified as likely benign based on ACMG/AMP sequence variant interpretation guidelines (Richards et al. 2015 PMID: 25741868, with internal and published modifications).

NM_014743.3(KIAA0232):c.1106C>T (p.Pro369Leu)

Gene: KIAA0232 (KIAA0232; plus strand). Cytogenetic location: 4p16.1.
Variant type: single nucleotide variant.
Coding change: c.1106C>T on transcript NM_014743.3 (MANE Select); coding-DNA position 1106, C replaced by T.
Protein change: p.Pro369Leu; replaces proline 369 with leucine.
Molecular consequence: missense variant.
Genome position (GRCh38, 1-based): chr4:6,861,488, C>T. VCF-style: chr4-6861488-C-T. GRCh37 (hg19) VCF-style: chr4-6863215-C-T.
Other names: c.1106C>T, p.Pro369Leu (NM_001100590.2); c.1106C>T (NM_001100590.1); short protein forms P369L.
Identifiers: ClinVar variation 782440 (VCV000782440.6), dbSNP rs144821735, ClinGen allele CA2842360.